The following is an entry in ClinVar:

ClinVar aggregate classification (germline): Conflicting classifications of pathogenicity. Review status: criteria provided, conflicting classifications (1 of 4 stars). 4 submissions from 4 submitters: Likely pathogenic (1); Uncertain significance (3). Last evaluated 2026-05-04.

Conditions:
Neurofibromatosis, type 1 (NF1). Also called: NEUROFIBROMATOSIS, TYPE I, SOMATIC; Neurofibromatosis, type I; Peripheral type neurofibromatosis; VON RECKLINGHAUSEN DISEASE. Identifiers: Orphanet 636, MedGen C0027831, MONDO:0018975, OMIM 162200. Disease mechanism: loss of function.
Hereditary cancer-predisposing syndrome. Also called: Neoplastic Syndromes, Hereditary; Tumor predisposition; Hereditary Cancer Syndrome; Hereditary neoplastic syndrome. Identifiers: Orphanet 140162, MedGen C0027672, MeSH D009386, MONDO:0015356.
Cardiovascular phenotype. Identifiers: MedGen CN230736.
Juvenile myelomonocytic leukemia (JMML). Also called: LEUKEMIA, JUVENILE MYELOMONOCYTIC, SOMATIC. Identifiers: Orphanet 86834, MedGen C0349639, MONDO:0011908, OMIM 607785, HP:0012209.
Neurofibromatosis-Noonan syndrome (NFNS). Also called: NEUROFIBROMATOSIS WITH NOONAN PHENOTYPE. Identifiers: Orphanet 638, MedGen C2931482, MONDO:0011035, OMIM 601321. Disease mechanism: loss of function.
Neurofibromatosis, familial spinal (FSNF). Identifiers: Orphanet 636, MedGen C1834235, MONDO:0008078, OMIM 162210. Disease mechanism: loss of function.
Café-au-lait macules with pulmonary stenosis (WTSN). Also called: PULMONIC STENOSIS WITH CAFE-AU-LAIT SPOTS. Identifiers: MedGen C0553586, MONDO:0008672, OMIM 193520.

Submissions (4):

Ambry Genetics
Classification: Uncertain significance for Cardiovascular phenotype; Hereditary cancer-predisposing syndrome. Last evaluated: 2026-05-04. Review status: criteria provided, single submitter. Criteria: Ambry Variant Classification Scheme 2023. Collection method: clinical testing. Allele origin: germline.
Comment: The p.D1987V variant (also known as c.5960A>T), located in coding exon 40 of the NF1 gene, results from an A to T substitution at nucleotide position 5960. The aspartic acid at codon 1987 is replaced by valine, an amino acid with highly dissimilar properties. This amino acid position is conserved. In addition, this alteration is predicted to be deleterious by in silico analysis. Based on the available evidence, the clinical significance of this variant remains unclear.

Labcorp Genetics (formerly Invitae), Labcorp
Classification: Uncertain significance for Neurofibromatosis, type 1. Last evaluated: 2024-05-06. Review status: criteria provided, single submitter. Criteria: Invitae Variant Classification Sherloc (09022015). Collection method: clinical testing. Allele origin: germline.
Comment: This sequence change replaces aspartic acid, which is acidic and polar, with valine, which is neutral and non-polar, at codon 1987 of the NF1 protein (p.Asp1987Val). This variant is not present in population databases (gnomAD no frequency). This variant has not been reported in the literature in individuals affected with NF1-related conditions. ClinVar contains an entry for this variant (Variation ID: 1379709). Advanced modeling of protein sequence and biophysical properties (such as structural, functional, and spatial information, amino acid conservation, physicochemical variation, residue mobility, and thermodynamic stability) performed at Invitae indicates that this missense variant is expected to disrupt NF1 protein function with a positive predictive value of 95%. This variant disrupts the p.Asp1987 amino acid residue in NF1. Other variant(s) that disrupt this residue have been determined to be pathogenic (Invitae). This suggests that this residue is clinically significant, and that variants that disrupt this residue are likely to be disease-causing. In summary, the available evidence is currently insufficient to determine the role of this variant in disease. Therefore, it has been classified as a Variant of Uncertain Significance.

GeneDx
Classification: Uncertain significance. Last evaluated: 2023-07-24. Review status: criteria provided, single submitter. Criteria: GeneDx Variant Classification Process June 2021. Collection method: clinical testing. Allele origin: germline. Affected: yes.
Comment: Not observed at significant frequency in large population cohorts (gnomAD); In silico analysis supports that this missense variant has a deleterious effect on protein structure/function; Has not been previously published as pathogenic or benign to our knowledge

Juno Genomics, Hangzhou Juno Genomics, Inc
Classification: Likely pathogenic for Neurofibromatosis, type 1; Juvenile myelomonocytic leukemia; Neurofibromatosis, familial spinal; Neurofibromatosis-Noonan syndrome; Café-au-lait macules with pulmonary stenosis. Review status: criteria provided, single submitter. Criteria: ACMG Guidelines, 2015. Collection method: clinical testing. Allele origin: germline. Affected: yes.
Comment: Absent from controls (or at extremely low frequency if recessive) in Genome Aggregation Database, Exome Sequencing Project, 1000 Genomes Project, or Exome Aggregation Consortium.;Novel missense change at an amino acid residue where a different missense change determined to be pathogenic has been seen before.;Multiple lines of computational evidence support a deleterious effect on the gene or gene product (conservation, evolutionary, splicing impact, etc).;Missense variant in a gene that has a low rate of benign missense variation and where missense variants are a common mechanism of disease.

NM_001042492.3(NF1):c.6023A>T (p.Asp2008Val)

Gene: NF1 (neurofibromin 1; plus strand). Cytogenetic location: 17q11.2.
Variant type: single nucleotide variant.
Coding change: c.6023A>T on transcript NM_001042492.3 (MANE Select); coding-DNA position 6023, A replaced by T.
Protein change: p.Asp2008Val; replaces aspartic acid 2008 with valine.
Molecular consequence: missense variant.
Genome position (GRCh38, 1-based): chr17:31,336,349, A>T. VCF-style: chr17-31336349-A-T. GRCh37 (hg19) VCF-style: chr17-29663367-A-T.
Other names: c.5960A>T, p.Asp1987Val (NM_000267.4); short protein forms D1987V, D2008V.
Identifiers: ClinVar variation 1379709 (VCV001379709.11), dbSNP rs2069668717, ClinGen allele CA399011030.